The following is an entry in ClinVar:

ClinVar aggregate classification (germline): Uncertain significance. Review status: criteria provided, multiple submitters, no conflicts (2 of 4 stars). 2 submissions from 2 submitters: Uncertain significance (2). Last evaluated 2026-05-06.

Conditions:
Brachyolmia-amelogenesis imperfecta syndrome. Also called: PLATYSPONDYLY WITH AMELOGENESIS IMPERFECTA; Tooth agenesis, selective, 6; Dental anomalies and short stature. Identifiers: Orphanet 2899, MedGen C1832594, MONDO:0011018, OMIM 601216. Disease mechanism: loss of function.
LTBP3-related disorder. Also called: LTBP3-related condition.

Allele frequency attached by ClinVar (database versions not stated): gnomAD 0.00001; gnomAD exomes 0.00001; TOPMed 0.00001.

Submissions (2):

PreventionGenetics, part of Exact Sciences
Classification: Uncertain significance for LTBP3-related condition. Last evaluated: 2026-05-06. Review status: criteria provided, single submitter. Criteria: ACMG Guidelines, 2015. Collection method: clinical testing. Allele origin: germline.
Comment: The LTBP3 c.1662C>A variant is predicted to result in the amino acid substitution p.Phe554Leu. To our knowledge, this variant has not been reported in the literature or in a large population database (gnomAD), indicating this variant is rare. At this time, the clinical significance of this variant is uncertain due to the absence of conclusive functional and genetic evidence.

Labcorp Genetics (formerly Invitae), Labcorp
Classification: Uncertain significance for Brachyolmia-amelogenesis imperfecta syndrome. Last evaluated: 2023-09-10. Review status: criteria provided, single submitter. Criteria: Invitae Variant Classification Sherloc (09022015). Collection method: clinical testing. Allele origin: germline.
Comment: In summary, the available evidence is currently insufficient to determine the role of this variant in disease. Therefore, it has been classified as a Variant of Uncertain Significance. This sequence change replaces phenylalanine, which is neutral and non-polar, with leucine, which is neutral and non-polar, at codon 554 of the LTBP3 protein (p.Phe554Leu). This variant is not present in population databases (gnomAD no frequency). This variant has not been reported in the literature in individuals affected with LTBP3-related conditions. An algorithm developed to predict the effect of missense changes on protein structure and function (PolyPhen-2) suggests that this variant is likely to be tolerated.

NM_001130144.3(LTBP3):c.1662C>A (p.Phe554Leu)

Gene: LTBP3 (latent transforming growth factor beta binding protein 3; minus strand). Cytogenetic location: 11q13.1.
Variant type: single nucleotide variant.
Coding change: c.1662C>A on transcript NM_001130144.3 (MANE Select); coding-DNA position 1662, C replaced by A.
Protein change: p.Phe554Leu; replaces phenylalanine 554 with leucine.
Molecular consequence: missense variant.
Genome position (GRCh38, 1-based): chr11:65,551,184, G>T on the plus strand (C>A on the coding strand, the complement: LTBP3 is on the minus strand). VCF-style: chr11-65551184-G-T. GRCh37 (hg19) VCF-style: chr11-65318655-G-T.
Other names: c.1311C>A, p.Phe437Leu (NM_001164266.1); c.1662C>A, p.Phe554Leu (NM_021070.4); c.1662C>A (NM_001130144.2); short protein forms F437L, F554L.
Identifiers: ClinVar variation 2918676 (VCV002918676.4), dbSNP rs1328391632, ClinGen allele CA381272735.